The following is an entry in ClinVar:

ClinVar aggregate classification (germline): Pathogenic (1 of 4 stars; one submission).

Conditions:
Cornelia de Lange syndrome 5 (CDLS5). Also called: HDAC8-Related Cornelia de Lange Syndrome. Identifiers: Orphanet 199, MedGen C3550903, MONDO:0010471, OMIM 300882.

Submission:

Medical Genetics Lab, Policlinico S. Orsola.Malpighi
Classification: Pathogenic for Cornelia de Lange syndrome 5. Last evaluated: 2018-05-03. Review status: criteria provided, single submitter. Criteria: ACMG Guidelines, 2015. Collection method: clinical testing. Allele origin: unknown. Inheritance: X-linked dominant inheritance. Affected: yes. Observed: 1 heterozygote.
Comment: This is a predicted null variant (frameshift) in a gene (HDAC8) where loss of function is a known cause of disease. It is absent from large population databases. Mutations in HDAC8 are a known cause of Cornelia de Lange syndrome type 5 and Intellectual Disability; clinical features of this patient are consistent with those previously described in patients with HDAC8 mutations.

Literature cited by the submitters: DOI 10.1159/000499174.

NM_018486.3(HDAC8):c.104_105del (p.Pro35fs)

Gene: HDAC8 (histone deacetylase 8; minus strand). Cytogenetic location: Xq13.1.
Variant type: Deletion.
Coding change: c.104_105del on transcript NM_018486.3 (MANE Select); coding-DNA positions 104 to 105, 2 bases deleted (CC; older notation c.104_105delCC).
Protein change: p.Pro35fs; shifts the reading frame from proline 35.
Molecular consequence: frameshift variant. On other transcripts: non-coding transcript variant (1).
Genome position (GRCh38, 1-based): chrX:72,572,657-72,572,658, GG deleted on the plus strand (CC on the coding strand, the reverse complement: HDAC8 is on the minus strand); deleting any 2 consecutive bases within chrX:72,572,657-72,572,660 gives the same sequence; the c. name uses the placement nearest the transcript's 3' end. VCF-style (leftmost placement, unchanged base first): chrX-72572656-TGG-T. GRCh37 (hg19) VCF-style: chrX-71792506-TGG-T.
Other names: c.104_105del, p.Pro35fs (NM_001166418.2, NM_001166419.2, NM_001166420.2 and 2 more transcripts); short protein forms P35fs.
Identifiers: ClinVar variation 545414 (VCV000545414.4), dbSNP rs1556165162, ClinGen allele CA658824064.